The following is an entry in ClinVar:

ClinVar aggregate classification (germline): Uncertain significance (1 of 4 stars; one submission).

Conditions:
Autoimmune lymphoproliferative syndrome type 2A (ALPS2A). Also called: CASP10-Related Autoimmune Lymphoproliferative Syndrome; AUTOIMMUNE LYMPHOPROLIFERATIVE SYNDROME, TYPE IIA; Autoimmune lymphoproliferative syndrome type 2. Identifiers: Orphanet 3261, MedGen C1858968, MONDO:0011383, OMIM 603909.

Submission:

Labcorp Genetics (formerly Invitae), Labcorp
Classification: Uncertain significance for Autoimmune lymphoproliferative syndrome type 2A. Last evaluated: 2023-05-29. Review status: criteria provided, single submitter. Criteria: Invitae Variant Classification Sherloc (09022015). Collection method: clinical testing. Allele origin: germline.
Comment: In summary, the available evidence is currently insufficient to determine the role of this variant in disease. Therefore, it has been classified as a Variant of Uncertain Significance. Advanced modeling of protein sequence and biophysical properties (such as structural, functional, and spatial information, amino acid conservation, physicochemical variation, residue mobility, and thermodynamic stability) performed at Invitae indicates that this missense variant is not expected to disrupt CASP10 protein function. This variant has not been reported in the literature in individuals affected with CASP10-related conditions. This variant is not present in population databases (gnomAD no frequency). This sequence change replaces glutamine, which is neutral and polar, with proline, which is neutral and non-polar, at codon 93 of the CASP10 protein (p.Gln93Pro).

NM_032977.4(CASP10):c.278A>C (p.Gln93Pro)

Gene: CASP10 (caspase 10; plus strand). Cytogenetic location: 2q33.1.
Variant type: single nucleotide variant.
Coding change: c.278A>C on transcript NM_032977.4 (MANE Select); coding-DNA position 278, A replaced by C.
Protein change: p.Gln93Pro; replaces glutamine 93 with proline.
Molecular consequence: missense variant.
Genome position (GRCh38, 1-based): chr2:201,186,055, A>C. VCF-style: chr2-201186055-A-C. GRCh37 (hg19) VCF-style: chr2-202050778-A-C.
Other names: c.278A>C, p.Gln93Pro (NM_001206524.2, NM_001206542.2, NM_001230.5 and 3 more transcripts); short protein forms Q93P.
Identifiers: ClinVar variation 2939561 (VCV002939561.3), dbSNP rs1944404824, ClinGen allele CA350277968.